The following is an entry in ClinVar:

NM_004366.6(CLCN2):c.1653C>A (p.Ser551=)

Gene: CLCN2 (chloride voltage-gated channel 2; minus strand). Cytogenetic location: 3q27.1.
Variant type: single nucleotide variant.
Coding change: c.1653C>A on transcript NM_004366.6 (MANE Select); coding-DNA position 1653, C replaced by A.
Protein change: p.Ser551=; no amino-acid change (serine 551 retained).
Molecular consequence: synonymous variant.
Genome position (GRCh38, 1-based): chr3:184,354,169, G>T on the plus strand (C>A on the coding strand, the complement: CLCN2 is on the minus strand). VCF-style: chr3-184354169-G-T. GRCh37 (hg19) VCF-style: chr3-184071957-G-T.
Other names: c.1602C>A, p.Ser534= (NM_001171087.3); c.1521C>A, p.Ser507= (NM_001171088.3); c.1653C>A, p.Ser551= (NM_001171089.3).
Identifiers: ClinVar variation 2654320 (VCV002654320.24), dbSNP rs756612780, ClinGen allele CA2734025.
Genomic context (GRCh38, chr3:184,354,169, plus strand): 5'-GCCCCAGCCGAGCTCAGGCAGGTAGGGCAGTTTCTTGATTCGGATGATGCTGTCATAGAG[G>T]GAGGGCTGCAGACTCTGGGCGACAGCGTTGGCCAGGATGACGGCGATCATGACAGGCAGG-3'
Protein context (NP_004357.3, residues 541-561): ANAVAQSLQP[Ser551=]LYDSIIRIKK

ClinVar aggregate classification (germline): Likely benign (1 of 4 stars; one submission).

Allele frequency attached by ClinVar (database versions not stated): ExAC 0.00002.
gnomAD v4.1: 4 of 1,613,376 alleles (0.00025%); highest among the groups gnomAD compares: Non-Finnish European, 0.00034%; no homozygotes.

Submission:

CeGaT Center for Human Genetics Tuebingen
Classification: Likely benign. Last evaluated: 2024-02-01. Review status: criteria provided, single submitter. Criteria: CeGaT Center For Human Genetics Tuebingen Variant Classification Criteria Version 2. Collection method: clinical testing. Allele origin: germline. Affected: yes. Observed: 2 variant alleles.
Comment: CLCN2: BP4, BP7